The following is an entry in ClinVar:

ClinVar aggregate classification (germline): Uncertain significance (1 of 4 stars; one submission).

Submission:

Ambry Genetics
Classification: Uncertain significance. Last evaluated: 2022-01-31. Review status: criteria provided, single submitter. Criteria: Ambry Variant Classification Scheme 2023. Collection method: clinical testing. Allele origin: germline.
Comment: The p.T1036S variant (also known as c.3107C>G), located in coding exon 4 of the ALPK2 gene, results from a C to G substitution at nucleotide position 3107. The threonine at codon 1036 is replaced by serine, an amino acid with similar properties. This amino acid position is conserved. In addition, this alteration is predicted to be tolerated by in silico analysis. Since supporting evidence is limited at this time, the clinical significance of this alteration remains unclear.

NM_052947.4(ALPK2):c.3107C>G (p.Thr1036Ser)

Gene: ALPK2 (alpha kinase 2; minus strand). Cytogenetic location: 18q21.31.
Variant type: single nucleotide variant.
Coding change: c.3107C>G on transcript NM_052947.4 (MANE Select); coding-DNA position 3107, C replaced by G.
Protein change: p.Thr1036Ser; replaces threonine 1036 with serine.
Molecular consequence: missense variant.
Genome position (GRCh38, 1-based): chr18:58,537,080, G>C on the plus strand (C>G on the coding strand, the complement: ALPK2 is on the minus strand). VCF-style: chr18-58537080-G-C. GRCh37 (hg19) VCF-style: chr18-56204312-G-C.
Other names: short protein forms T1036S.
Identifiers: ClinVar variation 1727696 (VCV001727696.2), dbSNP rs765785481, ClinGen allele CA402569090.